The following is an entry in ClinVar:

NM_012309.5(SHANK2):c.801G>A (p.Pro267=)

Gene: SHANK2 (SH3 and multiple ankyrin repeat domains 2; minus strand). Cytogenetic location: 11q13.4.
Variant type: single nucleotide variant.
Coding change: c.801G>A on transcript NM_012309.5 (MANE Select); coding-DNA position 801, G replaced by A.
Protein change: p.Pro267=; no amino-acid change (proline 267 retained).
Molecular consequence: synonymous variant.
Genome position (GRCh38, 1-based): chr11:71,092,533, C>T on the plus strand (G>A on the coding strand, the complement: SHANK2 is on the minus strand). VCF-style: chr11-71092533-C-T. GRCh37 (hg19) VCF-style: chr11-70803579-C-T.
Other names: c.801G>A, p.Pro267= (NM_001441024.1, NM_001441025.1, NM_001441026.1 and 12 more transcripts); c.729G>A, p.Pro243= (NM_001441038.1).
Identifiers: ClinVar variation 4681824 (VCV004681824.5).

ClinVar aggregate classification (germline): Likely benign (1 of 4 stars; one submission).

gnomAD v4.1: 64 of 1,551,564 alleles (0.0041%); highest among the groups gnomAD compares: Admixed American, 0.1%; no homozygotes.

Submission:

CeGaT Center for Human Genetics Tuebingen
Classification: Likely benign. Last evaluated: 2025-11-01. Review status: criteria provided, single submitter. Criteria: CeGaT Center For Human Genetics Tuebingen Variant Classification Criteria Version 2. Collection method: clinical testing. Allele origin: germline. Affected: yes. Observed: 1 variant allele.
Comment: SHANK2: BP4, BP7